The following is an entry in ClinVar:

NM_138694.4(PKHD1):c.424del (p.Val142fs)

Gene: PKHD1 (PKHD1 ciliary IPT domain containing fibrocystin/polyductin; minus strand). Cytogenetic location: 6p12.2.
Variant type: Deletion.
Coding change: c.424del on transcript NM_138694.4 (MANE Select); coding-DNA position 424, one base deleted (G; older notation c.424delG).
Protein change: p.Val142fs; shifts the reading frame from valine 142.
Molecular consequence: frameshift variant.
Genome position (GRCh38, 1-based): chr6:52,076,300, C deleted on the plus strand (G on the coding strand, the reverse complement: PKHD1 is on the minus strand). VCF-style (leftmost placement, unchanged base first): chr6-52076299-AC-A. GRCh37 (hg19) VCF-style: chr6-51941097-AC-A.
Other names: c.424del, p.Val142fs (NM_170724.3); short protein forms V142fs.
Identifiers: ClinVar variation 1074409 (VCV001074409.8), dbSNP rs2128236801, ClinGen allele CA2499218395.

ClinVar aggregate classification (germline): Pathogenic. Review status: criteria provided, multiple submitters, no conflicts (2 of 4 stars). 2 submissions from 2 submitters: Pathogenic (2). Last evaluated 2024-07-03.

Conditions:
Autosomal recessive polycystic kidney disease (ARPKD). Also called: AR polycystic kidney disease. Identifiers: Orphanet 731, Orphanet 8378, MedGen C0085548, MeSH D017044, MONDO:0009889.
Polycystic kidney disease 4 (PKD4). Also called: POLYCYSTIC KIDNEY AND HEPATIC DISEASE 1; POLYCYSTIC KIDNEY DISEASE, INFANTILE, TYPE I; POLYCYSTIC KIDNEY DISEASE 4 WITH OR WITHOUT POLYCYSTIC LIVER DISEASE; PKD3; Autosomal Recessive Polycystic Kidney Disease – PKHD1. Identifiers: MedGen C4540575, MONDO:0033004, OMIM 263200.

Submissions (2):

Myriad Genetics, Inc.
Classification: Pathogenic for Polycystic kidney disease 4. Last evaluated: 2024-07-03. Review status: criteria provided, single submitter. Criteria: Myriad Autosomal Dominant, Autosomal Recessive and X-Linked Classification Criteria (2023). Collection method: clinical testing. Allele origin: unknown.
Comment: NM_138694.3(PKHD1):c.424delG(V142Ffs*11) is expected to be pathogenic in the context of autosomal recessive polycystic kidney disease, PKHD1-related. This variant is predicted to lead to an abnormal or absent protein product due to the creation of a premature termination codon in PKHD1, a gene where loss-of-function variants are known to be pathogenic. Please note: this variant was assessed in the context of healthy population screening.

Labcorp Genetics (formerly Invitae), Labcorp
Classification: Pathogenic for Autosomal recessive polycystic kidney disease. Last evaluated: 2020-10-19. Review status: criteria provided, single submitter. Criteria: Invitae Variant Classification Sherloc (09022015). Collection method: clinical testing. Allele origin: germline.
Comment: For these reasons, this variant has been classified as Pathogenic. This variant has not been reported in the literature in individuals with PKHD1-related conditions. This variant is not present in population databases (ExAC no frequency). This sequence change creates a premature translational stop signal (p.Val142Phefs*11) in the PKHD1 gene. It is expected to result in an absent or disrupted protein product. Loss-of-function variants in PKHD1 are known to be pathogenic (PMID: 19940839).

Literature cited by the submitters: PubMed 19940839 (cited by Labcorp Genetics (formerly Invitae), Labcorp).